The following is an entry in ClinVar:

NM_006922.4(SCN3A):c.5423T>C (p.Ile1808Thr)

Gene: SCN3A (sodium voltage-gated channel alpha subunit 3; minus strand). Cytogenetic location: 2q24.3.
Variant type: single nucleotide variant.
Coding change: c.5423T>C on transcript NM_006922.4 (MANE Select); coding-DNA position 5423, T replaced by C.
Protein change: p.Ile1808Thr; replaces isoleucine 1808 with threonine.
Molecular consequence: missense variant.
Genome position (GRCh38, 1-based): chr2:165,090,730, A>G on the plus strand (T>C on the coding strand, the complement: SCN3A is on the minus strand). VCF-style: chr2-165090730-A-G. GRCh37 (hg19) VCF-style: chr2-165947240-A-G.
Other names: c.5276T>C, p.Ile1759Thr (NM_001081676.2, NM_001081677.2); short protein forms I1759T, I1808T.
Identifiers: ClinVar variation 1193748 (VCV001193748.10), dbSNP rs1685054282, ClinGen allele CA349014689.

ClinVar aggregate classification (germline): Uncertain significance. Review status: criteria provided, multiple submitters, no conflicts (2 of 4 stars). 3 submissions from 3 submitters: Uncertain significance (3). Last evaluated 2025-08-29.

Conditions:
Inborn genetic diseases. Identifiers: MedGen C0950123, MeSH D030342.

Allele frequency attached by ClinVar (database versions not stated): gnomAD exomes below 0.00001.
gnomAD v4.1: 1 of 1,614,118 alleles (0.000062%); highest among the groups gnomAD compares: Non-Finnish European, 0.000085%; no homozygotes.

Submissions (3):

Labcorp Genetics (formerly Invitae), Labcorp
Classification: Uncertain significance. Last evaluated: 2025-08-29. Review status: criteria provided, single submitter. Criteria: Invitae Variant Classification Sherloc (09022015). Collection method: clinical testing. Allele origin: germline.
Comment: This sequence change replaces isoleucine, which is neutral and non-polar, with threonine, which is neutral and polar, at codon 1808 of the SCN3A protein (p.Ile1808Thr). This variant is not present in population databases (gnomAD no frequency). This variant has not been reported in the literature in individuals affected with SCN3A-related conditions. ClinVar contains an entry for this variant (Variation ID: 1193748). Invitae Evidence Modeling of protein sequence and biophysical properties (such as structural, functional, and spatial information, amino acid conservation, physicochemical variation, residue mobility, and thermodynamic stability) has been performed for this missense variant. However, the output from this modeling did not meet the statistical confidence thresholds required to predict the impact of this variant on SCN3A protein function. In summary, the available evidence is currently insufficient to determine the role of this variant in disease. Therefore, it has been classified as a Variant of Uncertain Significance.

Ambry Genetics
Classification: Uncertain significance for Inborn genetic diseases. Last evaluated: 2024-10-08. Review status: criteria provided, single submitter. Criteria: Ambry Variant Classification Scheme 2023. Collection method: clinical testing. Allele origin: germline.

GeneDx
Classification: Uncertain significance. Last evaluated: 2023-02-01. Review status: criteria provided, single submitter. Criteria: GeneDx Variant Classification Process June 2021. Collection method: clinical testing. Allele origin: germline. Affected: yes.
Comment: Not observed at significant frequency in large population cohorts (gnomAD); In silico analysis supports that this missense variant has a deleterious effect on protein structure/function; Has not been previously published as pathogenic or benign to our knowledge